The following is an entry in ClinVar:

ClinVar aggregate classification (germline): Uncertain significance (1 of 4 stars; one submission).

Allele frequency attached by ClinVar (database versions not stated): TOPMed 0.00002; gnomAD 0.00004.

Submission:

Labcorp Genetics (formerly Invitae), Labcorp
Classification: Uncertain significance. Last evaluated: 2025-12-24. Review status: criteria provided, single submitter. Criteria: Invitae Variant Classification Sherloc (09022015). Collection method: clinical testing. Allele origin: germline.
Comment: This sequence change replaces arginine, which is basic and polar, with glutamine, which is neutral and polar, at codon 62 of the MYLK3 protein (p.Arg62Gln). This variant is present in population databases (rs762293646, gnomAD 0.01%). This variant has not been reported in the literature in individuals affected with MYLK3-related conditions. ClinVar contains an entry for this variant (Variation ID: 1358010). An algorithm developed to predict the effect of missense changes on protein structure and function outputs the following: PolyPhen-2: "Benign". The glutamine amino acid residue is found in multiple mammalian species, which suggests that this missense change does not adversely affect protein function. In summary, the available evidence is currently insufficient to determine the role of this variant in disease. Therefore, it has been classified as a Variant of Uncertain Significance.

NM_182493.3(MYLK3):c.185G>A (p.Arg62Gln)

Gene: MYLK3 (myosin light chain kinase 3; minus strand). Cytogenetic location: 16q11.2.
Variant type: single nucleotide variant.
Coding change: c.185G>A on transcript NM_182493.3 (MANE Select); coding-DNA position 185, G replaced by A.
Protein change: p.Arg62Gln; replaces arginine 62 with glutamine.
Molecular consequence: missense variant. On other transcripts: intron variant (1).
Genome position (GRCh38, 1-based): chr16:46,748,009, C>T on the plus strand (G>A on the coding strand, the complement: MYLK3 is on the minus strand). VCF-style: chr16-46748009-C-T. GRCh37 (hg19) VCF-style: chr16-46781921-C-T.
Other names: c.-113-7862G>A (NM_001308301.1); short protein forms R62Q.
Identifiers: ClinVar variation 1358010 (VCV001358010.6), dbSNP rs762293646, ClinGen allele CA8038306.
Genomic context (GRCh38, chr16:46,748,009, plus strand): 5'-GGAACCCCATCAGCCCCGCCCGGGCCCGGTGCCCGGGAGGCCTCCAGCCTGTGCAGGCCC[C>T]GCTCCAGGTGGCCCATGTCTCGGCACATGCTCTGCAACTTCTCTGTGACATCTTCTTGGA-3'
Protein context (NP_872299.2, residues 52-72): SMCRDMGHLE[Arg62Gln]GLHRLEASRA